The following is an entry in ClinVar:

ClinVar aggregate classification (germline): Uncertain significance (1 of 4 stars; one submission).

Allele frequency attached by ClinVar (database versions not stated): 1000 Genomes Project 30x 0.00016; 1000 Genomes Project 0.00020.

Submission:

Labcorp Genetics (formerly Invitae), Labcorp
Classification: Uncertain significance. Last evaluated: 2025-08-23. Review status: criteria provided, single submitter. Criteria: Invitae Variant Classification Sherloc (09022015). Collection method: clinical testing. Allele origin: germline.
Comment: This sequence change replaces proline, which is neutral and non-polar, with arginine, which is basic and polar, at codon 205 of the NEUROD1 protein (p.Pro205Arg). The frequency data for this variant in the population databases is considered unreliable, as metrics indicate poor data quality at this position in the gnomAD database. This variant has not been reported in the literature in individuals affected with NEUROD1-related conditions. ClinVar contains an entry for this variant (Variation ID: 1001706). Invitae Evidence Modeling of protein sequence and biophysical properties (such as structural, functional, and spatial information, amino acid conservation, physicochemical variation, residue mobility, and thermodynamic stability) indicates that this missense variant is not expected to disrupt NEUROD1 protein function with a negative predictive value of 80%. In summary, the available evidence is currently insufficient to determine the role of this variant in disease. Therefore, it has been classified as a Variant of Uncertain Significance.

NM_002500.5(NEUROD1):c.614C>G (p.Pro205Arg)

Gene: NEUROD1 (neuronal differentiation 1; minus strand). Cytogenetic location: 2q31.3.
Variant type: single nucleotide variant.
Coding change: c.614C>G on transcript NM_002500.5 (MANE Select); coding-DNA position 614, C replaced by G.
Protein change: p.Pro205Arg; replaces proline 205 with arginine.
Molecular consequence: missense variant.
Genome position (GRCh38, 1-based): chr2:181,678,247, G>C on the plus strand (C>G on the coding strand, the complement: NEUROD1 is on the minus strand). VCF-style: chr2-181678247-G-C. GRCh37 (hg19) VCF-style: chr2-182542974-G-C.
Other names: short protein forms P205R.
Identifiers: ClinVar variation 1001706 (VCV001001706.9), dbSNP rs560115414, ClinGen allele CA2011106.